The following is an entry in ClinVar:

NM_000038.6(APC):c.4756_4757del (p.Lys1586fs)

Gene: APC (APC regulator of Wnt signaling pathway; plus strand). Cytogenetic location: 5q22.2.
Variant type: Deletion.
Coding change: c.4756_4757del on transcript NM_000038.6 (MANE Select); coding-DNA positions 4756 to 4757, 2 bases deleted (AA; older notation c.4756_4757delAA).
Protein change: p.Lys1586fs; shifts the reading frame from lysine 1586.
Molecular consequence: frameshift variant. On other transcripts: non-coding transcript variant (2).
Genome position (GRCh38, 1-based): chr5:112,840,350-112,840,351, AA deleted; deleting any 2 consecutive bases within chr5:112,840,349-112,840,351 gives the same sequence; the c. name uses the placement nearest the transcript's 3' end. VCF-style (leftmost placement, unchanged base first): chr5-112840348-CAA-C. GRCh37 (hg19) VCF-style: chr5-112176045-CAA-C.
Other names: c.4756_4757delAA (NM_000038.5); c.4756_4757del, p.Lys1586fs (NM_001127510.3, NM_001354895.2, NM_001407450.1); c.4702_4703del, p.Lys1568fs (NM_001127511.3); c.4810_4811del, p.Lys1604fs (NM_001354896.2, NM_001407447.1, NM_001407448.1 and 1 more transcripts); c.4786_4787del, p.Lys1596fs (NM_001354897.2); c.4681_4682del, p.Lys1561fs (NM_001354898.2); c.4672_4673del, p.Lys1558fs (NM_001354899.2); c.4633_4634del, p.Lys1545fs (NM_001354900.2); and 12 more; short protein forms K1202fs, K1303fs, K1426fs, K1457fs, K1460fs, K1485fs, K1495fs, K1503fs.
Identifiers: ClinVar variation 2583963 (VCV002583963.3), dbSNP rs2533597708, ClinGen allele CA2582341366.

ClinVar aggregate classification (germline): Pathogenic. Review status: criteria provided, multiple submitters, no conflicts (2 of 4 stars). 2 submissions from 2 submitters: Pathogenic (2). Last evaluated 2024-03-19.

Conditions:
Familial adenomatous polyposis 1 (FAP1). Also called: FAMILIAL ADENOMATOUS POLYPOSIS 1, ATTENUATED; POLYPOSIS, ADENOMATOUS INTESTINAL. Identifiers: MedGen C2713442, MONDO:0021056, OMIM 175100. Disease mechanism: loss of function.

Submissions (2):

Molecular Pathology, Peter Maccallum Cancer Centre
Classification: Pathogenic for Familial adenomatous polyposis 1. Last evaluated: 2024-03-19. Review status: criteria provided, single submitter. Criteria: ACMG Guidelines, 2015. Collection method: clinical testing. Allele origin: germline. Inheritance: Autosomal dominant inheritance.

Myriad Genetics, Inc.
Classification: Pathogenic for Familial adenomatous polyposis 1. Last evaluated: 2023-05-11. Review status: criteria provided, single submitter. Criteria: Myriad Autosomal Dominant, Autosomal Recessive and X-Linked Classification Criteria (2023). Collection method: clinical testing. Allele origin: unknown.
Comment: This variant is considered pathogenic. This variant creates a frameshift predicted to result in premature protein truncation.